The following is an entry in ClinVar:

NM_199420.4(POLQ):c.408G>A (p.Met136Ile)

Gene: POLQ (DNA polymerase theta; minus strand). Cytogenetic location: 3q13.33.
Variant type: single nucleotide variant.
Coding change: c.408G>A on transcript NM_199420.4 (MANE Select); coding-DNA position 408, G replaced by A.
Protein change: p.Met136Ile; replaces methionine 136 with isoleucine.
Molecular consequence: missense variant.
Genome position (GRCh38, 1-based): chr3:121,541,415, C>T on the plus strand (G>A on the coding strand, the complement: POLQ is on the minus strand). VCF-style: chr3-121541415-C-T. GRCh37 (hg19) VCF-style: chr3-121260262-C-T.
Other names: short protein forms M136I.
Identifiers: ClinVar variation 1737718 (VCV001737718.3), dbSNP rs752206714, ClinGen allele CA2563824.

ClinVar aggregate classification (germline): Uncertain significance (1 of 4 stars; one submission).

Allele frequency attached by ClinVar (database versions not stated): gnomAD exomes below 0.00001; ExAC 0.00001.

Submission:

Ambry Genetics
Classification: Uncertain significance. Last evaluated: 2024-07-17. Review status: criteria provided, single submitter. Criteria: Ambry Variant Classification Scheme 2023. Collection method: clinical testing. Allele origin: germline.
Comment: The p.M136I variant (also known as c.408G>A), located in coding exon 3 of the POLQ gene, results from a G to A substitution at nucleotide position 408. The methionine at codon 136 is replaced by isoleucine, an amino acid with highly similar properties. This amino acid position is conserved. In addition, this alteration is predicted to be tolerated by in silico analysis. Since supporting evidence is limited at this time, the clinical significance of this alteration remains unclear.